The following is an entry in ClinVar:

NM_006031.6(PCNT):c.3550G>C (p.Gly1184Arg)

Gene: PCNT (pericentrin; plus strand). Cytogenetic location: 21q22.3.
Variant type: single nucleotide variant.
Coding change: c.3550G>C on transcript NM_006031.6 (MANE Select); coding-DNA position 3550, G replaced by C.
Protein change: p.Gly1184Arg; replaces glycine 1184 with arginine.
Molecular consequence: missense variant.
Genome position (GRCh38, 1-based): chr21:46,388,827, G>C. VCF-style: chr21-46388827-G-C. GRCh37 (hg19) VCF-style: chr21-47808742-G-C.
Other names: c.3196G>C, p.Gly1066Arg (NM_001315529.2); short protein forms G1066R, G1184R.
Identifiers: ClinVar variation 4982389 (VCV004982389.1).
Genomic context (GRCh38, chr21:46,388,827, plus strand): 5'-AGGCTGCTGGGTTTGTTTGGAGAGACGCTGAGGGCAGCCGTCACCCTGAGGAGCCGGATC[G>C]GGGAGCGCGTGGGGCTCTGCCTGGATGACGCGGGCGCAGGCCTGGCCCTGTCGACAGGTG-3'
Protein context (NP_006022.3, residues 1174-1194): RAAVTLRSRI[Gly1184Arg]ERVGLCLDDA

ClinVar aggregate classification (germline): Uncertain significance (1 of 4 stars; one submission).

Conditions:
PCNT-related disorder. Also called: PCNT-related condition.

gnomAD v4.1: 4 of 1,612,582 alleles (0.00025%); highest among the groups gnomAD compares: South Asian, 0.0033%; no homozygotes.

Submission:

PreventionGenetics, part of Exact Sciences
Classification: Uncertain significance for PCNT-related condition. Last evaluated: 2024-12-11. Review status: criteria provided, single submitter. Criteria: ACMG Guidelines, 2015. Collection method: clinical testing. Allele origin: germline.
Comment: The PCNT c.3550G>C variant is predicted to result in the amino acid substitution p.Gly1184Arg. To our knowledge, this variant has not been reported in the literature. This variant is reported in 0.0065% of alleles in individuals of South Asian descent in gnomAD. At this time, the clinical significance of this variant is uncertain due to the absence of conclusive functional and genetic evidence.